The following is an entry in ClinVar:

ClinVar aggregate classification (germline): Uncertain significance (1 of 4 stars; one submission).

Submission:

GeneDx
Classification: Uncertain significance. Last evaluated: 2022-05-24. Review status: criteria provided, single submitter. Criteria: GeneDx Variant Classification Process June 2021. Collection method: clinical testing. Allele origin: germline. Affected: yes.
Comment: Not observed at significant frequency in large population cohorts (gnomAD); In silico analysis supports that this missense variant does not alter protein structure/function; Has not been previously published as pathogenic or benign to our knowledge

NM_002294.3(LAMP2):c.71T>C (p.Val24Ala)

Gene: LAMP2 (lysosomal associated membrane protein 2; minus strand). Cytogenetic location: Xq24.
Variant type: single nucleotide variant.
Coding change: c.71T>C on transcript NM_002294.3 (MANE Select); coding-DNA position 71, T replaced by C.
Protein change: p.Val24Ala; replaces valine 24 with alanine.
Molecular consequence: missense variant.
Genome position (GRCh38, 1-based): chrX:120,456,763, A>G on the plus strand (T>C on the coding strand, the complement: LAMP2 is on the minus strand). VCF-style: chrX-120456763-A-G. GRCh37 (hg19) VCF-style: chrX-119590618-A-G.
Other names: c.71T>C, p.Val24Ala (NM_001122606.1, NM_013995.2); short protein forms V24A.
Identifiers: ClinVar variation 1800873 (VCV001800873.1), dbSNP rs2520913653, ClinGen allele CA414403804.